The following is an entry in ClinVar:

NM_001370259.2(MEN1):c.269_270dup (p.Ala91fs)

Gene: MEN1 (menin 1; minus strand). Cytogenetic location: 11q13.1.
Variant type: Duplication.
Coding change: c.269_270dup on transcript NM_001370259.2 (MANE Select); coding-DNA positions 269 to 270, 2 bases duplicated (AT; older notation c.269_270dupAT).
Protein change: p.Ala91fs; shifts the reading frame from alanine 91.
Molecular consequence: frameshift variant.
Genome position (GRCh38, 1-based): chr11:64,809,840-64,809,841, AT duplicated on the plus strand (AT on the coding strand, the reverse complement: MEN1 is on the minus strand); duplicating any 2 consecutive bases within chr11:64,809,840-64,809,842 gives the same sequence; the c. name uses the placement nearest the transcript's 3' end. VCF-style (leftmost placement, unchanged base first): chr11-64809839-C-CAT. GRCh37 (hg19) VCF-style: chr11-64577311-C-CAT.
Other names: c.269_270dup, p.Ala91fs (NM_000244.4, NM_001370251.2, NM_001370260.2 and 9 more transcripts); c.269_270dupAT (NM_130799.2); short protein forms A91fs.
Identifiers: ClinVar variation 841275 (VCV000841275.3), dbSNP rs1941994887, ClinGen allele CA916081654.
Genomic context (GRCh38, chr11:64,809,839, plus strand): 5'-CCCCTTCTCGAGGATAGAGGGACAGGTCGACGGCGCCTCGGATCTGGGCGGTGAAGCGGG[C>CAT]ATAGAGGGCGGCGATGATAGACAGGTCGGCCACGGGAAAGTAGGTGAGGCCGCCAGGCGG-3'

ClinVar aggregate classification (germline): Pathogenic. Review status: criteria provided, multiple submitters, no conflicts (2 of 4 stars). 2 submissions from 2 submitters: Pathogenic (2). Last evaluated 2026-07-07.

Conditions:
Multiple endocrine neoplasia, type 1 (MEN1). Also called: MEA I; MEN I; WERMER SYNDROME; Endocrine adenomatosis multiple; MEN 1. Identifiers: Orphanet 652, MedGen C0025267, MeSH D018761, MONDO:0007540, OMIM 131100.
Hereditary cancer-predisposing syndrome. Also called: Tumor predisposition; Hereditary neoplastic syndrome; Neoplastic Syndromes, Hereditary; Hereditary Cancer Syndrome. Identifiers: Orphanet 140162, MedGen C0027672, MeSH D009386, MONDO:0015356.

Submissions (2):

Ambry Genetics
Classification: Pathogenic for Hereditary cancer-predisposing syndrome. Last evaluated: 2026-07-07. Review status: criteria provided, single submitter. Criteria: Ambry Variant Classification Scheme 2023. Collection method: clinical testing. Allele origin: germline.
Comment: The c.269_270dupAT pathogenic mutation, located in coding exon 1 of the MEN1 gene, results from a duplication of AT at nucleotide position 269, causing a translational frameshift with a predicted alternate stop codon (p.A91Mfs*29). This variant was reported in individual(s) with features consistent with multiple endocrine neoplasia type 1 (MEN1) (Ambry internal data). This variant is considered to be rare based on population cohorts in the Genome Aggregation Database (gnomAD). This alteration is expected to result in loss of function by premature protein truncation or nonsense-mediated mRNA decay. As such, this alteration is interpreted as a disease-causing mutation.

Labcorp Genetics (formerly Invitae), Labcorp
Classification: Pathogenic for Multiple endocrine neoplasia, type 1. Last evaluated: 2019-11-22. Review status: criteria provided, single submitter. Criteria: Invitae Variant Classification Sherloc (09022015). Collection method: clinical testing. Allele origin: germline.
Comment: This sequence change creates a premature translational stop signal (p.Ala91Metfs*29) in the MEN1 gene. It is expected to result in an absent or disrupted protein product. This variant is not present in population databases (ExAC no frequency). This variant has not been reported in the literature in individuals with MEN1-related conditions. Loss-of-function variants in MEN1 are known to be pathogenic (PMID: 12112656, 17853334). For these reasons, this variant has been classified as Pathogenic.